The following is an entry in ClinVar:

ClinVar aggregate classification (germline): Conflicting classifications of pathogenicity. Review status: criteria provided, conflicting classifications (1 of 4 stars). 2 submissions from 2 submitters: Uncertain significance (1); Likely benign (1). Last evaluated 2026-07-10.

Conditions:
Tuberous sclerosis 1 (TSC1). Identifiers: Orphanet 805, MedGen C1854465, MONDO:0008612, OMIM 191100.
Hereditary cancer-predisposing syndrome. Also called: Hereditary neoplastic syndrome; Neoplastic Syndromes, Hereditary; Tumor predisposition; Hereditary Cancer Syndrome. Identifiers: Orphanet 140162, MedGen C0027672, MeSH D009386, MONDO:0015356.

Submissions (2):

Ambry Genetics
Classification: Likely benign for Hereditary cancer-predisposing syndrome. Last evaluated: 2026-07-10. Review status: criteria provided, single submitter. Criteria: Ambry Variant Classification Scheme 2023. Collection method: clinical testing. Allele origin: germline.

Labcorp Genetics (formerly Invitae), Labcorp
Classification: Uncertain significance for Tuberous sclerosis 1. Last evaluated: 2024-11-09. Review status: criteria provided, single submitter. Criteria: Invitae Variant Classification Sherloc (09022015). Collection method: clinical testing. Allele origin: germline.
Comment: This sequence change replaces proline, which is neutral and non-polar, with glutamine, which is neutral and polar, at codon 1145 of the TSC1 protein (p.Pro1145Gln). This variant is not present in population databases (gnomAD no frequency). This variant has not been reported in the literature in individuals affected with TSC1-related conditions. Invitae Evidence Modeling of protein sequence and biophysical properties (such as structural, functional, and spatial information, amino acid conservation, physicochemical variation, residue mobility, and thermodynamic stability) indicates that this missense variant is not expected to disrupt TSC1 protein function with a negative predictive value of 95%. In summary, the available evidence is currently insufficient to determine the role of this variant in disease. Therefore, it has been classified as a Variant of Uncertain Significance.

NM_000368.5(TSC1):c.3434C>A (p.Pro1145Gln)

Gene: TSC1 (TSC complex subunit 1; minus strand). Cytogenetic location: 9q34.13.
Variant type: single nucleotide variant.
Coding change: c.3434C>A on transcript NM_000368.5 (MANE Select); coding-DNA position 3434, C replaced by A.
Protein change: p.Pro1145Gln; replaces proline 1145 with glutamine.
Molecular consequence: missense variant. On other transcripts: non-coding transcript variant (5).
Genome position (GRCh38, 1-based): chr9:132,896,296, G>T on the plus strand (C>A on the coding strand, the complement: TSC1 is on the minus strand). VCF-style: chr9-132896296-G-T. GRCh37 (hg19) VCF-style: chr9-135771683-G-T.
Other names: c.3431C>A, p.Pro1144Gln (NM_001162426.2, NM_001406597.1, NM_001406598.1 and 2 more transcripts); c.3281C>A, p.Pro1094Gln (NM_001162427.2, NM_001406610.1); c.3071C>A, p.Pro1024Gln (NM_001362177.2, NM_001406614.1, NM_001406615.1 and 4 more transcripts); c.3434C>A, p.Pro1145Gln (NM_001406592.1, NM_001406593.1, NM_001406594.1 and 2 more transcripts); c.3419C>A, p.Pro1140Gln (NM_001406601.1, NM_001406602.1); c.3416C>A, p.Pro1139Gln (NM_001406603.1, NM_001406604.1); c.3392C>A, p.Pro1131Gln (NM_001406605.1, NM_001406606.1, NM_001406607.1); c.3389C>A, p.Pro1130Gln (NM_001406608.1, NM_001406609.1); and 8 more; short protein forms P1010Q, P1093Q, P1140Q, P828Q, P1009Q, P1023Q, P1139Q, P1144Q.
Identifiers: ClinVar variation 3462485 (VCV003462485.4).